The following is an entry in ClinVar:

ClinVar aggregate classification (germline): Uncertain significance (1 of 4 stars; one submission).

Submission:

GeneDx
Classification: Uncertain significance. Last evaluated: 2025-12-02. Review status: criteria provided, single submitter. Criteria: GeneDx Variant Classification Process June 2021. Collection method: clinical testing. Allele origin: germline.
Comment: Frameshift variant predicted to result in abnormal protein length as the last 180 amino acid(s) are replaced with 35 different amino acid(s); Has not been previously published as pathogenic or benign to our knowledge; Not observed at significant frequency in large population cohorts (gnomAD); Variants in candidate genes are classified as variants of uncertain significance in accordance with ACMG guidelines (PMID: 25741868)

NM_006196.4(PCBP1):c.531_532del (p.Arg177fs)

Gene: PCBP1 (poly(rC) binding protein 1; plus strand). Cytogenetic location: 2p13.3.
Variant type: Microsatellite.
Coding change: c.531_532del on transcript NM_006196.4 (MANE Select); coding-DNA positions 531 to 532, 2 bases deleted (AG; older notation c.531_532delAG).
Protein change: p.Arg177fs; shifts the reading frame from arginine 177.
Molecular consequence: frameshift variant.
Genome position (GRCh38, 1-based): chr2:70,088,274-70,088,275, AG deleted; deleting any 2 consecutive bases within chr2:70,088,271-70,088,275 gives the same sequence; the c. name uses the placement nearest the transcript's 3' end. VCF-style (leftmost placement, unchanged base first): chr2-70088270-GGA-G. GRCh37 (hg19) VCF-style: chr2-70315402-GGA-G.
Other names: short protein forms R177fs.
Identifiers: ClinVar variation 5016899 (VCV005016899.1).